The following is an entry in ClinVar:

NM_012062.5(DNM1L):c.493C>A (p.Gln165Lys)

Gene: DNM1L (dynamin 1 like; plus strand). Cytogenetic location: 12p11.21.
Variant type: single nucleotide variant.
Coding change: c.493C>A on transcript NM_012062.5 (MANE Select); coding-DNA position 493, C replaced by A.
Protein change: p.Gln165Lys; replaces glutamine 165 with lysine.
Molecular consequence: missense variant. On other transcripts: intron variant (1).
Genome position (GRCh38, 1-based): chr12:32,713,245, C>A. VCF-style: chr12-32713245-C-A. GRCh37 (hg19) VCF-style: chr12-32866179-C-A.
Other names: c.493C>A, p.Gln165Lys (NM_001278463.2, NM_005690.5, NM_012063.4); c.532C>A, p.Gln178Lys (NM_001278464.2, NM_001278465.2, NM_001330380.2); c.131+5832C>A (NM_001278466.2); short protein forms Q165K, Q178K.
Identifiers: ClinVar variation 4719172 (VCV004719172.1).

ClinVar aggregate classification (germline): Uncertain significance (1 of 4 stars; one submission).

gnomAD v4.1: 2 of 1,613,772 alleles (0.00012%); highest among the groups gnomAD compares: Non-Finnish European, 0.00017%; no homozygotes.

Submission:

Labcorp Genetics (formerly Invitae), Labcorp
Classification: Uncertain significance. Last evaluated: 2025-05-28. Review status: criteria provided, single submitter. Criteria: Invitae Variant Classification Sherloc (09022015). Collection method: clinical testing. Allele origin: germline.
Comment: This sequence change replaces glutamine, which is neutral and polar, with lysine, which is basic and polar, at codon 165 of the DNM1L protein (p.Gln165Lys). This variant is present in population databases (rs773298342, gnomAD 0.0009%). This variant has not been reported in the literature in individuals affected with DNM1L-related conditions. An algorithm developed to predict the effect of missense changes on protein structure and function (PolyPhen-2) suggests that this variant is likely to be disruptive. In summary, the available evidence is currently insufficient to determine the role of this variant in disease. Therefore, it has been classified as a Variant of Uncertain Significance.